The following is an entry in ClinVar:

ClinVar aggregate classification (germline): Uncertain significance (0 of 4 stars; one submission).

Conditions:
KMT2B-related disorder. Also called: KMT2B-related condition; KMT2B-related disorders. Identifiers: MedGen CN381338.

Allele frequency attached by ClinVar (database versions not stated): TOPMed below 0.00001; gnomAD 0.00001.

Submission:

PreventionGenetics, part of Exact Sciences
Classification: Uncertain significance for KMT2B-related condition. Last evaluated: 2023-12-29. Review status: no assertion criteria provided. Collection method: clinical testing. Allele origin: germline.
Comment: The KMT2B c.2108G>T variant is predicted to result in the amino acid substitution p.Ser703Ile. To our knowledge, this variant has not been reported in the literature or in a large population database, indicating this variant is rare. At this time, the clinical significance of this variant is uncertain due to the absence of conclusive functional and genetic evidence.

NM_014727.3(KMT2B):c.2108G>T (p.Ser703Ile)

Gene: KMT2B (lysine methyltransferase 2B; plus strand). Cytogenetic location: 19q13.12.
Variant type: single nucleotide variant.
Coding change: c.2108G>T on transcript NM_014727.3 (MANE Select); coding-DNA position 2108, G replaced by T.
Protein change: p.Ser703Ile; replaces serine 703 with isoleucine.
Molecular consequence: missense variant.
Genome position (GRCh38, 1-based): chr19:35,721,455, G>T. VCF-style: chr19-35721455-G-T. GRCh37 (hg19) VCF-style: chr19-36212357-G-T.
Other names: short protein forms S703I.
Identifiers: ClinVar variation 3034925 (VCV003034925.2), dbSNP rs1476081557, ClinGen allele CA405396230.